The following is an entry in ClinVar:

ClinVar aggregate classification (germline): Uncertain significance. Review status: criteria provided, multiple submitters, no conflicts (2 of 4 stars). 2 submissions from 2 submitters: Uncertain significance (2). Last evaluated 2025-06-18.

Allele frequency attached by ClinVar (database versions not stated): gnomAD 0.00002; TOPMed 0.00001; ExAC 0.00004; gnomAD exomes 0.00004.
gnomAD v4.1: 63 of 1,614,018 alleles (0.0039%); highest among the groups gnomAD compares: South Asian, 0.04%; 1 homozygote.

Submissions (2):

Ambry Genetics
Classification: Uncertain significance. Last evaluated: 2025-06-18. Review status: criteria provided, single submitter. Criteria: Ambry Variant Classification Scheme 2023. Collection method: clinical testing. Allele origin: germline.

Labcorp Genetics (formerly Invitae), Labcorp
Classification: Uncertain significance. Last evaluated: 2025-04-23. Review status: criteria provided, single submitter. Criteria: Invitae Variant Classification Sherloc (09022015). Collection method: clinical testing. Allele origin: germline.
Comment: This sequence change replaces proline, which is neutral and non-polar, with leucine, which is neutral and non-polar, at codon 546 of the EIF2AK1 protein (p.Pro546Leu). This variant is present in population databases (rs748922084, gnomAD 0.03%). This variant has not been reported in the literature in individuals affected with EIF2AK1-related conditions. ClinVar contains an entry for this variant (Variation ID: 2049178). An algorithm developed to predict the effect of missense changes on protein structure and function (PolyPhen-2) suggests that this variant is likely to be disruptive. In summary, the available evidence is currently insufficient to determine the role of this variant in disease. Therefore, it has been classified as a Variant of Uncertain Significance.

NM_014413.4(EIF2AK1):c.1637C>T (p.Pro546Leu)

Gene: EIF2AK1 (eukaryotic translation initiation factor 2 alpha kinase 1; minus strand). Cytogenetic location: 7p22.1.
Variant type: single nucleotide variant.
Coding change: c.1637C>T on transcript NM_014413.4 (MANE Select); coding-DNA position 1637, C replaced by T.
Protein change: p.Pro546Leu; replaces proline 546 with leucine.
Molecular consequence: missense variant.
Genome position (GRCh38, 1-based): chr7:6,026,855, G>A on the plus strand (C>T on the coding strand, the complement: EIF2AK1 is on the minus strand). VCF-style: chr7-6026855-G-A. GRCh37 (hg19) VCF-style: chr7-6066486-G-A.
Other names: c.1637C>T (NM_014413.3); c.1634C>T, p.Pro545Leu (NM_001134335.2); short protein forms P546L, P545L.
Identifiers: ClinVar variation 2049178 (VCV002049178.5), dbSNP rs748922084, ClinGen allele CA4150672.